The following is an entry in ClinVar:

ClinVar aggregate classification (germline): Uncertain significance (1 of 4 stars; one submission).

Conditions:
Distal hereditary motor neuropathy type 2. Identifiers: Orphanet 139525, MedGen C3711384, MeSH C580044, MONDO:0015352.

Allele frequency attached by ClinVar (database versions not stated): gnomAD exomes below 0.00001.

Submission:

Labcorp Genetics (formerly Invitae), Labcorp
Classification: Uncertain significance for Distal hereditary motor neuropathy type 2. Last evaluated: 2021-12-10. Review status: criteria provided, single submitter. Criteria: Invitae Variant Classification Sherloc (09022015). Collection method: clinical testing. Allele origin: germline.
Comment: This sequence change replaces glycine, which is neutral and non-polar, with glutamic acid, which is acidic and polar, at codon 166 of the FBXO38 protein (p.Gly166Glu). This variant is present in population databases (no rsID available, gnomAD 0.01%). This variant has not been reported in the literature in individuals affected with FBXO38-related conditions. Algorithms developed to predict the effect of missense changes on protein structure and function are either unavailable or do not agree on the potential impact of this missense change (SIFT: "Deleterious"; PolyPhen-2: "Probably Damaging"; Align-GVGD: "Class C0"). In summary, the available evidence is currently insufficient to determine the role of this variant in disease. Therefore, it has been classified as a Variant of Uncertain Significance.

NM_205836.3(FBXO38):c.497G>A (p.Gly166Glu)

Gene: FBXO38 (F-box protein 38; plus strand). Cytogenetic location: 5q32.
Variant type: single nucleotide variant.
Coding change: c.497G>A on transcript NM_205836.3 (MANE Select); coding-DNA position 497, G replaced by A.
Protein change: p.Gly166Glu; replaces glycine 166 with glutamic acid.
Molecular consequence: missense variant.
Genome position (GRCh38, 1-based): chr5:148,402,418, G>A. VCF-style: chr5-148402418-G-A. GRCh37 (hg19) VCF-style: chr5-147781981-G-A.
Other names: c.497G>A, p.Gly166Glu (NM_030793.5, NM_001271723.2); short protein forms G166E.
Identifiers: ClinVar variation 1396751 (VCV001396751.6), dbSNP rs1404180680, ClinGen allele CA361655172.